The following is an entry in ClinVar:

NM_000377.3(WAS):c.11del (p.Gly4fs)

Gene: WAS (WASP actin nucleation promoting factor; plus strand). Cytogenetic location: Xp11.23.
Variant type: Deletion.
Coding change: c.11del on transcript NM_000377.3 (MANE Select); coding-DNA position 11, one base deleted (G; older notation c.11delG).
Protein change: p.Gly4fs; shifts the reading frame from glycine 4.
Molecular consequence: frameshift variant.
Genome position (GRCh38, 1-based): chrX:48,683,864, G deleted; the last of 5 consecutive G bases (chrX:48,683,860-48,683,864); deleting any one gives the same sequence. VCF-style (leftmost placement, unchanged base first): chrX-48683859-TG-T. GRCh37 (hg19) VCF-style: chrX-48542248-TG-T.
Other names: short protein forms G4fs.
Identifiers: ClinVar variation 11132 (VCV000011132.2), dbSNP rs587776745, ClinGen allele CA341015.
Genomic context (GRCh38, chrX:48,683,859, plus strand): 5'-CTCTTCTTACCCTGCACCCAGAGCCTCGCCAGAGAAGACAAGGGCAGAAAGCACCATGAG[TG>T]GGGGCCCAATGGGAGGAAGGCCCGGGGGCCGAGGAGCACCAGCGGTTCAGCAGAACATAC-3'

ClinVar aggregate classification (germline): Pathogenic. Review status: criteria provided, single submitter (1 of 4 stars). 2 submissions from 2 submitters: Pathogenic (1). 1 of the submissions does not count toward it. Last evaluated 2019-05-24.

Conditions:
Wiskott-Aldrich syndrome (WAS). Also called: ALDRICH SYNDROME; IMMUNODEFICIENCY 2; WISKOTT-ALDRICH SYNDROME 1; Wiskott-aldrich syndrome, somatic. Identifiers: Orphanet 906, MedGen C0043194, MONDO:0010518, OMIM 301000.
Thrombocytopenia 1. Also called: THROMBOCYTOPENIA, X-LINKED, 1; X-Linked Thrombocytopenia (XLT); X-linked thrombocytopenia with normal platelets. Identifiers: Orphanet 268322, Orphanet 852, MedGen C1839163, MONDO:0010743, OMIM 313900.
X-linked severe congenital neutropenia (SCNX). Identifiers: Orphanet 86788, MedGen C1845987, MONDO:0010294, OMIM 300299.

Submissions (2):

Labcorp Genetics (formerly Invitae), Labcorp
Classification: Pathogenic for Wiskott-Aldrich syndrome; X-linked severe congenital neutropenia; X-linked thrombocytopenia with normal platelets. Last evaluated: 2019-05-24. Review status: criteria provided, single submitter. Criteria: Invitae Variant Classification Sherloc (09022015). Collection method: clinical testing. Allele origin: germline.
Comment: This sequence change creates a premature translational stop signal (p.Gly4Alafs*41) in the WAS gene. It is expected to result in an absent or disrupted protein product. This variant is not present in population databases (ExAC no frequency). This variant has been observed in individuals affected with Wiskott-Aldrich syndrome (PMID: 10653325). This variant is also known as 45delG in the literature. ClinVar contains an entry for this variant (Variation ID: 11132). Loss-of-function variants in WAS are known to be pathogenic (PMID: 15284122). For these reasons, this variant has been classified as Pathogenic.

OMIM
Classification: Pathogenic for WISKOTT-ALDRICH SYNDROME. Last evaluated: 2006-04-01. Review status: no assertion criteria provided. Collection method: literature only. Allele origin: unknown. Not counted in ClinVar's aggregate classification.

Literature cited by the submitters: PubMed 10653325 (cited by Labcorp Genetics (formerly Invitae), Labcorp and OMIM); PubMed 16511828 (cited by OMIM).